The following is an entry in ClinVar:

ClinVar aggregate classification (germline): Likely pathogenic (1 of 4 stars; one submission).

Conditions:
Myopathy with abnormal lipid metabolism. Also called: Lipid storage myopathy due to flavin adenine dinucleotide synthetase deficiency. Identifiers: MedGen C4310822, MONDO:0009703, OMIM 255100.

Submission:

First Genomix Gene Laboratory, Genetic Diagnostics Department
Classification: Likely pathogenic for Myopathy with abnormal lipid metabolism. Last evaluated: 2025-09-22. Review status: criteria provided, single submitter. Criteria: ACMG Guidelines, 2015. Collection method: clinical testing. Allele origin: germline. Inheritance: Autosomal recessive inheritance. Affected: no. Observed: 1 variant allele.

NM_025207.5(FLAD1):c.790del (p.Val264fs)

Gene: FLAD1 (flavin adenine dinucleotide synthetase 1; plus strand). Cytogenetic location: 1q21.3.
Variant type: Deletion.
Coding change: c.790del on transcript NM_025207.5 (MANE Select); coding-DNA position 790, one base deleted (G; older notation c.790delG).
Protein change: p.Val264fs; shifts the reading frame from valine 264.
Molecular consequence: frameshift variant.
Genome position (GRCh38, 1-based): chr1:154,988,522, G deleted; the last of 3 consecutive G bases (chr1:154,988,520-154,988,522); deleting any one gives the same sequence. VCF-style (leftmost placement, unchanged base first): chr1-154988519-CG-C. GRCh37 (hg19) VCF-style: chr1-154960995-CG-C.
Other names: c.499del, p.Val167fs (NM_201398.3, NM_001184891.2); c.493del, p.Val165fs (NM_001184892.2); short protein forms V165fs, V167fs, V264fs.
Identifiers: ClinVar variation 4850419 (VCV004850419.1).